The following is an entry in ClinVar:

NM_000719.7(CACNA1C):c.1394G>A (p.Ser465Asn)

Gene: CACNA1C (calcium voltage-gated channel subunit alpha1 C; plus strand). Cytogenetic location: 12p13.33.
Variant type: single nucleotide variant.
Coding change: c.1394G>A on transcript NM_000719.7 (MANE Select); coding-DNA position 1394, G replaced by A.
Protein change: p.Ser465Asn; replaces serine 465 with asparagine.
Molecular consequence: missense variant.
Genome position (GRCh38, 1-based): chr12:2,549,946, G>A. VCF-style: chr12-2549946-G-A. GRCh37 (hg19) VCF-style: chr12-2659112-G-A.
Other names: c.1394G>A, p.Ser465Asn (NM_001129827.2, NM_001129829.2, NM_001129830.3 and 18 more transcripts); c.1385G>A, p.Ser462Asn (NM_001129844.2); short protein forms S465N, S462N.
Identifiers: ClinVar variation 1771602 (VCV001771602.2), dbSNP rs2511242381, ClinGen allele CA383368111.

ClinVar aggregate classification (germline): Uncertain significance (1 of 4 stars; one submission).

Conditions:
Cardiovascular phenotype. Identifiers: MedGen CN230736.

Submission:

Ambry Genetics
Classification: Uncertain significance for Cardiovascular phenotype. Last evaluated: 2019-11-19. Review status: criteria provided, single submitter. Criteria: Ambry Variant Classification Scheme 2023. Collection method: clinical testing. Allele origin: germline.
Comment: The p.S465N variant (also known as c.1394G>A), located in coding exon 10 of the CACNA1C gene, results from a G to A substitution at nucleotide position 1394. The serine at codon 465 is replaced by asparagine, an amino acid with highly similar properties. This amino acid position is highly conserved in available vertebrate species. In addition, the in silico prediction for this alteration is inconclusive. Since supporting evidence is limited at this time, the clinical significance of this alteration remains unclear.